The following is an entry in ClinVar:

ClinVar aggregate classification (germline): Uncertain significance (1 of 4 stars; one submission).

Submission:

GeneDx
Classification: Uncertain significance. Last evaluated: 2023-07-12. Review status: criteria provided, single submitter. Criteria: GeneDx Variant Classification Process June 2021. Collection method: clinical testing. Allele origin: germline. Affected: yes.
Comment: Has not been previously published as pathogenic or benign to our knowledge; In-frame deletion of 2 amino acids and in-frame insertion of 2 amino acids in a non-repeat region; In silico analysis supports a deleterious effect on protein structure/function; Not observed at significant frequency in large population cohorts (gnomAD)

NM_005585.5(SMAD6):c.1168_1169delinsCT (p.Gly390Leu)

Gene: SMAD6 (SMAD family member 6; plus strand). Cytogenetic location: 15q22.31.
Variant type: Indel.
Coding change: c.1168_1169delinsCT on transcript NM_005585.5 (MANE Select); coding-DNA positions 1168 to 1169, GG replaced by CT.
Protein change: p.Gly390Leu; replaces glycine 390 with leucine.
Molecular consequence: missense variant. On other transcripts: non-coding transcript variant (1).
Genome position (GRCh38, 1-based): chr15:66,781,212-66,781,213, GG replaced by CT. VCF-style: chr15-66781212-GG-CT. GRCh37 (hg19) VCF-style: chr15-67073550-GG-CT.
Other names: short protein forms G390L.
Identifiers: ClinVar variation 3361175 (VCV003361175.1).